The following is an entry in ClinVar:

NM_005235.3(ERBB4):c.2428G>A (p.Glu810Lys)

Gene: ERBB4 (erb-b2 receptor tyrosine kinase 4; minus strand). Cytogenetic location: 2q34.
Variant type: single nucleotide variant.
Coding change: c.2428G>A on transcript NM_005235.3 (MANE Select); coding-DNA position 2428, G replaced by A.
Protein change: p.Glu810Lys; replaces glutamic acid 810 with lysine.
Molecular consequence: missense variant.
Genome position (GRCh38, 1-based): chr2:211,561,962, C>T on the plus strand (G>A on the coding strand, the complement: ERBB4 is on the minus strand). VCF-style: chr2-211561962-C-T. GRCh37 (hg19) VCF-style: chr2-212426687-C-T.
Other names: c.2428G>A, p.Glu810Lys (NM_001042599.2); short protein forms E810K.
Identifiers: ClinVar variation 2910154 (VCV002910154.3), dbSNP rs2067405974, ClinGen allele CA350781287.
Genomic context (GRCh38, chr2:211,561,962, plus strand): 5'-CCTTAGCTATCTGGACACACCAGTTAAGCAGCAGTTGTGATCCAATGTTATCCTTGTGCT[C>T]GTGGACATACTCCAACAGGCAGCCATGGGGCATAAGTTGAGTAACCAGCTGGATGGTTGG-3'
Protein context (NP_005226.1, residues 800-820): PHGCLLEYVH[Glu810Lys]HKDNIGSQLL

ClinVar aggregate classification (germline): Uncertain significance (1 of 4 stars; one submission).

Allele frequency attached by ClinVar (database versions not stated): TOPMed below 0.00001; gnomAD exomes 0.00001.
gnomAD v4.1: 4 of 1,614,092 alleles (0.00025%); highest among the groups gnomAD compares: East Asian, 0.0022%; no homozygotes.

Submission:

Labcorp Genetics (formerly Invitae), Labcorp
Classification: Uncertain significance. Last evaluated: 2024-01-27. Review status: criteria provided, single submitter. Criteria: Invitae Variant Classification Sherloc (09022015). Collection method: clinical testing. Allele origin: germline.
Comment: This sequence change replaces glutamic acid, which is acidic and polar, with lysine, which is basic and polar, at codon 810 of the ERBB4 protein (p.Glu810Lys). This variant is not present in population databases (gnomAD no frequency). This missense change has been observed in individual(s) with amyotrophic lateral sclerosis (PMID: 29650794). Advanced modeling of protein sequence and biophysical properties (such as structural, functional, and spatial information, amino acid conservation, physicochemical variation, residue mobility, and thermodynamic stability) performed at Invitae indicates that this missense variant is not expected to disrupt ERBB4 protein function with a negative predictive value of 80%. In summary, the available evidence is currently insufficient to determine the role of this variant in disease. Therefore, it has been classified as a Variant of Uncertain Significance.

Literature cited by the submitters: PubMed 29650794.